The following is an entry in ClinVar:

NM_182931.3(KMT2E):c.2555A>G (p.Asn852Ser)

Gene: KMT2E (lysine methyltransferase 2E (inactive); plus strand). Cytogenetic location: 7q22.3.
Variant type: single nucleotide variant.
Coding change: c.2555A>G on transcript NM_182931.3 (MANE Select); coding-DNA position 2555, A replaced by G.
Protein change: p.Asn852Ser; replaces asparagine 852 with serine.
Molecular consequence: missense variant.
Genome position (GRCh38, 1-based): chr7:105,105,962, A>G. VCF-style: chr7-105105962-A-G. GRCh37 (hg19) VCF-style: chr7-104746409-A-G.
Other names: c.2555A>G, p.Asn852Ser (NM_001410908.1, NM_018682.4); short protein forms N852S.
Identifiers: ClinVar variation 1974824 (VCV001974824.5), dbSNP rs111903775, ClinGen allele CA164017816.

ClinVar aggregate classification (germline): Uncertain significance (1 of 4 stars; one submission).

Allele frequency attached by ClinVar (database versions not stated): gnomAD exomes below 0.00001.
gnomAD v4.1: 8 of 1,613,396 alleles (0.0005%); highest among the groups gnomAD compares: African/African-American, 0.0067%; no homozygotes.

Submission:

Labcorp Genetics (formerly Invitae), Labcorp
Classification: Uncertain significance. Last evaluated: 2025-07-02. Review status: criteria provided, single submitter. Criteria: Invitae Variant Classification Sherloc (09022015). Collection method: clinical testing. Allele origin: germline.
Comment: This sequence change replaces asparagine, which is neutral and polar, with serine, which is neutral and polar, at codon 852 of the KMT2E protein (p.Asn852Ser). This variant is not present in population databases (gnomAD no frequency). This variant has not been reported in the literature in individuals affected with KMT2E-related conditions. ClinVar contains an entry for this variant (Variation ID: 1974824). Invitae Evidence Modeling of protein sequence and biophysical properties (such as structural, functional, and spatial information, amino acid conservation, physicochemical variation, residue mobility, and thermodynamic stability) indicates that this missense variant is not expected to disrupt KMT2E protein function with a negative predictive value of 80%. In summary, the available evidence is currently insufficient to determine the role of this variant in disease. Therefore, it has been classified as a Variant of Uncertain Significance.